The following is an entry in ClinVar:

ClinVar aggregate classification (germline): Uncertain significance. Review status: criteria provided, multiple submitters, no conflicts (2 of 4 stars). 2 submissions from 2 submitters: Uncertain significance (2). Last evaluated 2025-02-12.

Conditions:
Inborn genetic diseases. Identifiers: MedGen C0950123, MeSH D030342.

Allele frequency attached by ClinVar (database versions not stated): TOPMed 0.00002; ExAC 0.00003; gnomAD 0.00003; gnomAD exomes 0.00007; ESP Exome Variant Server 0.00008; 1000 Genomes Project 30x 0.00016; 1000 Genomes Project 0.00020.
gnomAD v4.1: 101 of 1,613,886 alleles (0.0063%); highest among the groups gnomAD compares: Middle Eastern, 0.016%; no homozygotes.

Submissions (2):

Ambry Genetics
Classification: Uncertain significance for Inborn genetic diseases. Last evaluated: 2025-02-12. Review status: criteria provided, single submitter. Criteria: Ambry Variant Classification Scheme 2023. Collection method: clinical testing. Allele origin: germline.

Labcorp Genetics (formerly Invitae), Labcorp
Classification: Uncertain significance. Last evaluated: 2022-07-05. Review status: criteria provided, single submitter. Criteria: Invitae Variant Classification Sherloc (09022015). Collection method: clinical testing. Allele origin: germline.
Comment: This sequence change replaces arginine, which is basic and polar, with histidine, which is basic and polar, at codon 347 of the CAPN1 protein (p.Arg347His). This variant is present in population databases (rs372172705, gnomAD 0.009%). This variant has not been reported in the literature in individuals affected with CAPN1-related conditions. Algorithms developed to predict the effect of missense changes on protein structure and function are either unavailable or do not agree on the potential impact of this missense change (SIFT: "Deleterious"; PolyPhen-2: "Probably Damaging"; Align-GVGD: "Class C0"). In summary, the available evidence is currently insufficient to determine the role of this variant in disease. Therefore, it has been classified as a Variant of Uncertain Significance.

NM_005186.4(CAPN1):c.1040G>A (p.Arg347His)

Gene: CAPN1 (calpain 1; plus strand). Cytogenetic location: 11q13.1.
Variant type: single nucleotide variant.
Coding change: c.1040G>A on transcript NM_005186.4 (MANE Select); coding-DNA position 1040, G replaced by A.
Protein change: p.Arg347His; replaces arginine 347 with histidine.
Molecular consequence: missense variant. On other transcripts: non-coding transcript variant (1).
Genome position (GRCh38, 1-based): chr11:65,188,621, G>A. VCF-style: chr11-65188621-G-A. GRCh37 (hg19) VCF-style: chr11-64956092-G-A.
Other names: c.1040G>A, p.Arg347His (NM_001198868.2, NM_001198869.2); c.878G>A, p.Arg293His (NM_001198870.1); c.1040G>A (NM_001198868.1); short protein forms R293H, R347H.
Identifiers: ClinVar variation 2187805 (VCV002187805.2), dbSNP rs372172705, ClinGen allele CA6093277.